The following is an entry in ClinVar:

ClinVar aggregate classification (germline): Uncertain significance (1 of 4 stars; one submission).

Allele frequency attached by ClinVar (database versions not stated): ESP Exome Variant Server 0.00054; 1000 Genomes Project 30x 0.00078; 1000 Genomes Project 0.00080.
gnomAD v4.1: 1,095 of 1,613,854 alleles (0.068%); highest among the groups gnomAD compares: Non-Finnish European, 0.086%; no homozygotes.

Submission:

Labcorp Genetics (formerly Invitae), Labcorp
Classification: Uncertain significance. Last evaluated: 2024-12-18. Review status: criteria provided, single submitter. Criteria: Invitae Variant Classification Sherloc (09022015). Collection method: clinical testing. Allele origin: germline.
Comment: This sequence change replaces arginine, which is basic and polar, with leucine, which is neutral and non-polar, at codon 156 of the IGSF10 protein (p.Arg156Leu). This variant is present in population databases (rs138756085, gnomAD 0.06%), and has an allele count higher than expected for a pathogenic variant. This missense change has been observed in individual(s) with delayed puberty (PMID: 27137492). ClinVar contains an entry for this variant (Variation ID: 2707421). An algorithm developed to predict the effect of missense changes on protein structure and function (PolyPhen-2) suggests that this variant is likely to be disruptive. Experimental studies have shown that this missense change affects IGSF10 function (PMID: 27137492). In summary, the available evidence is currently insufficient to determine the role of this variant in disease. Therefore, it has been classified as a Variant of Uncertain Significance.

Literature cited by the submitters: PubMed 27137492.

NM_178822.5(IGSF10):c.467G>T (p.Arg156Leu)

Gene: IGSF10 (immunoglobulin superfamily member 10; minus strand). Cytogenetic location: 3q25.1.
Variant type: single nucleotide variant.
Coding change: c.467G>T on transcript NM_178822.5 (MANE Select); coding-DNA position 467, G replaced by T.
Protein change: p.Arg156Leu; replaces arginine 156 with leucine.
Molecular consequence: missense variant.
Genome position (GRCh38, 1-based): chr3:151,453,632, C>A on the plus strand (G>T on the coding strand, the complement: IGSF10 is on the minus strand). VCF-style: chr3-151453632-C-A. GRCh37 (hg19) VCF-style: chr3-151171420-C-A.
Other names: c.467G>T, p.Arg156Leu (NM_001385060.1, NM_001385061.1, NM_001385062.1 and 1 more transcripts); short protein forms R156L.
Identifiers: ClinVar variation 2707421 (VCV002707421.3), dbSNP rs138756085, ClinGen allele CA2670748.